The following is an entry in ClinVar:

NM_148919.4(PSMB8):c.666A>C (p.Glu222Asp)

Gene: PSMB8 (proteasome 20S subunit beta 8; minus strand). Cytogenetic location: 6p21.32.
Variant type: single nucleotide variant.
Coding change: c.666A>C on transcript NM_148919.4 (MANE Select); coding-DNA position 666, A replaced by C.
Protein change: p.Glu222Asp; replaces glutamic acid 222 with aspartic acid.
Molecular consequence: missense variant.
Genome position (GRCh38, 1-based): chr6:32,841,607, T>G on the plus strand (A>C on the coding strand, the complement: PSMB8 is on the minus strand). VCF-style: chr6-32841607-T-G. GRCh37 (hg19) VCF-style: chr6-32809384-T-G.
Other names: c.654A>C, p.Glu218Asp (NM_004159.5); short protein forms E218D, E222D.
Identifiers: ClinVar variation 1021668 (VCV001021668.10), dbSNP rs754578419, ClinGen allele CA3746318.

ClinVar aggregate classification (germline): Uncertain significance. Review status: criteria provided, multiple submitters, no conflicts (2 of 4 stars). 3 submissions from 3 submitters: Uncertain significance (3). Last evaluated 2025-06-11.

Conditions:
Proteasome-associated autoinflammatory syndrome 1 (PRAAS1). Also called: Nakajo syndrome; JOINT CONTRACTURES, MUSCULAR ATROPHY, MICROCYTIC ANEMIA, AND PANNICULITIS-INDUCED LIPODYSTROPHY; JMP SYNDROME; AUTOINFLAMMATION, LIPODYSTROPHY, AND DERMATOSIS SYNDROME; NAKAJO-NISHIMURA SYNDROME; CHRONIC ATYPICAL NEUTROPHILIC DERMATOSIS WITH LIPODYSTROPHY AND ELEVATED TEMPERATURE SYNDROME. Identifiers: Orphanet 2615, Orphanet 324977, Orphanet 324999, Orphanet 325004, MedGen C4746851, MONDO:0054698, OMIM 256040.
Autoinflammatory syndrome. Identifiers: Orphanet 93665, MedGen C3890737, MONDO:0019751.
Inborn genetic diseases. Identifiers: MedGen C0950123, MeSH D030342.

Allele frequency attached by ClinVar (database versions not stated): TOPMed below 0.00001; gnomAD 0.00001; gnomAD exomes 0.00003 and 0.00006; ExAC 0.00007.
gnomAD v4.1: 42 of 1,612,942 alleles (0.0026%); highest among the groups gnomAD compares: South Asian, 0.044%; no homozygotes.

Submissions (3):

Ambry Genetics
Classification: Uncertain significance for Inborn genetic diseases. Last evaluated: 2025-06-11. Review status: criteria provided, single submitter. Criteria: Ambry Variant Classification Scheme 2023. Collection method: clinical testing. Allele origin: germline.

Labcorp Genetics (formerly Invitae), Labcorp
Classification: Uncertain significance for Proteosome-associated autoinflammatory syndrome. Last evaluated: 2022-05-05. Review status: criteria provided, single submitter. Criteria: Invitae Variant Classification Sherloc (09022015). Collection method: clinical testing. Allele origin: germline.
Comment: This sequence change replaces glutamic acid, which is acidic and polar, with aspartic acid, which is acidic and polar, at codon 222 of the PSMB8 protein (p.Glu222Asp). This variant is present in population databases (rs754578419, gnomAD 0.05%). This variant has not been reported in the literature in individuals affected with PSMB8-related conditions. ClinVar contains an entry for this variant (Variation ID: 1021668). Algorithms developed to predict the effect of missense changes on protein structure and function (SIFT, PolyPhen-2, Align-GVGD) all suggest that this variant is likely to be tolerated. In summary, the available evidence is currently insufficient to determine the role of this variant in disease. Therefore, it has been classified as a Variant of Uncertain Significance.

Genome Diagnostics Laboratory, The Hospital for Sick Children
Classification: Uncertain significance for Autoinflammatory syndrome. Last evaluated: 2019-12-01. Review status: criteria provided, single submitter. Criteria: ACMG Guidelines, 2015. Collection method: clinical testing. Allele origin: germline. Affected: yes.